The following is an entry in ClinVar:

NM_004333.6(BRAF):c.600dup (p.Gln201fs)

Gene: BRAF (B-Raf proto-oncogene, serine/threonine kinase; minus strand). Cytogenetic location: 7q34.
Variant type: Duplication.
Coding change: c.600dup on transcript NM_004333.6 (MANE Select); coding-DNA position 600, one base duplicated (T; older notation c.600dupT).
Protein change: p.Gln201fs; shifts the reading frame from glutamine 201.
Molecular consequence: frameshift variant.
Genome position (GRCh38, 1-based): chr7:140,808,900, A duplicated on the plus strand (T on the coding strand, the reverse complement: BRAF is on the minus strand); the first of 2 consecutive A bases (chr7:140,808,900-140,808,901); duplicating either gives the same sequence. VCF-style (leftmost placement, unchanged base first): chr7-140808899-G-GA. GRCh37 (hg19) VCF-style: chr7-140508699-G-GA.
Other names: c.600dup, p.Gln201fs (NM_001354609.2, NM_001374244.1, NM_001374258.1 and 5 more transcripts); c.498dup, p.Gln167fs (NM_001378470.1); c.444dup, p.Gln149fs (NM_001378472.1, NM_001378473.1); c.336dup, p.Gln113fs (NM_001378475.1); short protein forms Q167fs, Q201fs, Q113fs, Q149fs.
Identifiers: ClinVar variation 2002190 (VCV002002190.4), dbSNP rs2536364503, ClinGen allele CA2580077612.
Genomic context (GRCh38, chr7:140,808,899, plus strand): 5'-TTAATGTGTGATTTTCTTTTTAAACAAAATTTCACGTCACATACAAACCATACCCATCCT[G>GA]AATTCTGTAAACAGCACAGCACTCTGGGATTAGACCTCTCATCATCAGTGCTTTCTTTAG-3'

ClinVar aggregate classification (germline): Uncertain significance (1 of 4 stars; one submission).

Conditions:
RASopathy. Also called: rasopathies; Noonan spectrum disorder. Identifiers: Orphanet 536391, MedGen C5555857, MONDO:0021060.

Submission:

Labcorp Genetics (formerly Invitae), Labcorp
Classification: Uncertain significance for RASopathy. Last evaluated: 2022-06-03. Review status: criteria provided, single submitter. Criteria: Invitae Variant Classification Sherloc (09022015). Collection method: clinical testing. Allele origin: germline.
Comment: This variant is not present in population databases (gnomAD no frequency). In summary, the available evidence is currently insufficient to determine the role of this variant in disease. Therefore, it has been classified as a Variant of Uncertain Significance. This variant has not been reported in the literature in individuals affected with BRAF-related conditions. This sequence change creates a premature translational stop signal (p.Gln201Serfs*13) in the BRAF gene. It is expected to result in an absent or disrupted protein product. However, the current clinical and genetic evidence is not sufficient to establish whether loss-of-function variants in BRAF cause disease.